The following is an entry in ClinVar:

NM_000203.5(IDUA):c.493G>A (p.Gly165Ser)

Gene: IDUA (alpha-L-iduronidase; plus strand). Cytogenetic location: 4p16.3.
Variant type: single nucleotide variant.
Coding change: c.493G>A on transcript NM_000203.5 (MANE Select); coding-DNA position 493, G replaced by A.
Protein change: p.Gly165Ser; replaces glycine 165 with serine.
Molecular consequence: missense variant. On other transcripts: non-coding transcript variant (1).
Genome position (GRCh38, 1-based): chr4:1,000,989, G>A. VCF-style: chr4-1000989-G-A. GRCh37 (hg19) VCF-style: chr4-994777-G-A.
Other names: c.97G>A, p.Gly33Ser (NM_001363576.1); short protein forms G165S, G33S.
Identifiers: ClinVar variation 2432773 (VCV002432773.5), dbSNP rs748326989, ClinGen allele CA2801935.

ClinVar aggregate classification (germline): Uncertain significance. Review status: criteria provided, multiple submitters, no conflicts (2 of 4 stars). 2 submissions from 2 submitters: Uncertain significance (2). Last evaluated 2025-04-18.

Conditions:
Mucopolysaccharidosis type 1. Also called: IDUA deficiency; MPS I; Mucopolysaccharidosis Type I. Identifiers: Orphanet 579, MedGen C0023786, MONDO:0001586.

Allele frequency attached by ClinVar (database versions not stated): gnomAD exomes below 0.00001; TOPMed 0.00001; ExAC 0.00002.
gnomAD v4.1: 6 of 1,608,188 alleles (0.00037%); highest among the groups gnomAD compares: African/African-American, 0.0027%; no homozygotes.

Submissions (2):

Labcorp Genetics (formerly Invitae), Labcorp
Classification: Uncertain significance for Mucopolysaccharidosis type 1. Last evaluated: 2025-04-18. Review status: criteria provided, single submitter. Criteria: Invitae Variant Classification Sherloc (09022015). Collection method: clinical testing. Allele origin: germline.
Comment: This sequence change affects codon 165 of the IDUA mRNA. It is a 'silent' change, meaning that it does not change the encoded amino acid sequence of the IDUA protein. This variant also falls at the last nucleotide of exon 4, which is part of the consensus splice site for this exon. This variant is present in population databases (rs748326989, gnomAD 0.007%). This variant has not been reported in the literature in individuals affected with IDUA-related conditions. ClinVar contains an entry for this variant (Variation ID: 2432773). Invitae Evidence Modeling of protein sequence and biophysical properties (such as structural, functional, and spatial information, amino acid conservation, physicochemical variation, residue mobility, and thermodynamic stability) indicates that this missense variant is not expected to disrupt IDUA protein function with a negative predictive value of 95%. Variants that disrupt the consensus splice site are a relatively common cause of aberrant splicing (PMID: 17576681, 9536098). Algorithms developed to predict the effect of sequence changes on RNA splicing suggest that this variant may disrupt the consensus splice site. In summary, the available evidence is currently insufficient to determine the role of this variant in disease. Therefore, it has been classified as a Variant of Uncertain Significance.

Revvity Omics, Revvity
Classification: Uncertain significance. Last evaluated: 2025-03-10. Review status: criteria provided, single submitter. Criteria: ACMG Guidelines, 2015. Collection method: clinical testing. Allele origin: germline.

Literature cited by the submitters: PubMed 17576681 (cited by Labcorp Genetics (formerly Invitae), Labcorp); PubMed 9536098 (cited by Labcorp Genetics (formerly Invitae), Labcorp).